The following is an entry in ClinVar:

NM_003238.6(TGFB2):c.472A>G (p.Lys158Glu)

Gene: TGFB2 (transforming growth factor beta 2; plus strand). Cytogenetic location: 1q41.
Variant type: single nucleotide variant.
Coding change: c.472A>G on transcript NM_003238.6 (MANE Select); coding-DNA position 472, A replaced by G.
Protein change: p.Lys158Glu; replaces lysine 158 with glutamic acid.
Molecular consequence: missense variant. On other transcripts: non-coding transcript variant (2).
Genome position (GRCh38, 1-based): chr1:218,405,294, A>G. VCF-style: chr1-218405294-A-G. GRCh37 (hg19) VCF-style: chr1-218578636-A-G.
Other names: c.556A>G, p.Lys186Glu (NM_001135599.4); short protein forms K158E, K186E.
Identifiers: ClinVar variation 1742701 (VCV001742701.2), dbSNP rs1445749036, ClinGen allele CA344726318.

ClinVar aggregate classification (germline): Uncertain significance (1 of 4 stars; one submission).

Conditions:
Familial thoracic aortic aneurysm and aortic dissection (TAAD). Also called: Thoracic aortic aneurysms and dissections. Identifiers: Orphanet 91387, MedGen C4707243, MONDO:0019625.

Allele frequency attached by ClinVar (database versions not stated): gnomAD 0.00001.
gnomAD v4.1: 1 of 1,614,088 alleles (0.000062%); highest among the groups gnomAD compares: African/African-American, 0.0013%; no homozygotes.

Submission:

Ambry Genetics
Classification: Uncertain significance for Familial thoracic aortic aneurysm and aortic dissection. Last evaluated: 2021-06-30. Review status: criteria provided, single submitter. Criteria: Ambry Variant Classification Scheme 2023. Collection method: clinical testing. Allele origin: germline.
Comment: The p.K158E variant (also known as c.472A>G), located in coding exon 2 of the TGFB2 gene, results from an A to G substitution at nucleotide position 472. The lysine at codon 158 is replaced by glutamic acid, an amino acid with similar properties. This amino acid position is conserved. In addition, this alteration is predicted to be tolerated by in silico analysis. Since supporting evidence is limited at this time, the clinical significance of this alteration remains unclear.